The following is an entry in ClinVar:

NM_000493.4(COL10A1):c.1147G>A (p.Gly383Arg)

Genes: COL10A1 (collagen type X alpha 1 chain; minus strand), NT5DC1 (5'-nucleotidase domain containing 1; plus strand). Cytogenetic location: 6q22.1.
Variant type: single nucleotide variant.
Coding change: c.1147G>A on transcript NM_000493.4 (MANE Select); coding-DNA position 1147, G replaced by A.
Protein change: p.Gly383Arg; replaces glycine 383 with arginine.
Molecular consequence: missense variant. On other transcripts: intron variant (1).
Genome position (GRCh38, 1-based): chr6:116,120,969, C>T on the plus strand (G>A on the coding strand, the complement: COL10A1 is on the minus strand). VCF-style: chr6-116120969-C-T. GRCh37 (hg19) VCF-style: chr6-116442132-C-T.
Other names: c.1147G>A, p.Gly383Arg (NM_001424106.1, NM_001424107.1); c.529+3024C>T (NM_152729.3); short protein forms G383R.
Identifiers: ClinVar variation 355098 (VCV000355098.12), dbSNP rs145378345, ClinGen allele CA3968243.
Genomic context (GRCh38, chr6:116,120,969, plus strand): 5'-GGTTACCCTTAGGACCATCGAGACCTGGTTTTCCTGGGTACCCTGGTTTTCCATCTGACC[C>T]AGGGGAACCCCTTTCACCCTTAGCCCCAGGGTATCCTGCAGGCCCAGCTGGCCCTGTCTC-3'
Protein context (NP_000484.2, residues 373-393): PGAKGERGSP[Gly383Arg]SDGKPGYPGK

ClinVar aggregate classification (germline): Benign. Review status: criteria provided, multiple submitters, no conflicts (2 of 4 stars). 2 submissions from 2 submitters: Benign (2). Last evaluated 2025-12-06.

Conditions:
Metaphyseal chondrodysplasia, Schmid type (MCDS). Also called: SPONDYLOMETAPHYSEAL DYSPLASIA, JAPANESE TYPE. Identifiers: Orphanet 174, MedGen C0265289, MONDO:0007983, OMIM 156500.

Allele frequency attached by ClinVar (database versions not stated): ESP Exome Variant Server 0.00008; gnomAD exomes 0.00012 and 0.00058; gnomAD 0.00021 and 0.00026; TOPMed 0.00028; ExAC 0.00056; 1000 Genomes Project 0.00180; 1000 Genomes Project 30x 0.00187.
gnomAD v4.1: 219 of 1,613,966 alleles (0.014%); highest among the groups gnomAD compares: East Asian, 0.46%; 1 homozygote.

Submissions (2):

Labcorp Genetics (formerly Invitae), Labcorp
Classification: Benign. Last evaluated: 2025-12-06. Review status: criteria provided, single submitter. Criteria: Invitae Variant Classification Sherloc (09022015). Collection method: clinical testing. Allele origin: germline.

Illumina Laboratory Services, Illumina
Classification: Benign for Metaphyseal chondrodysplasia, Schmid type. Last evaluated: 2018-01-13. Review status: criteria provided, single submitter. Criteria: ICSL Variant Classification Criteria 13 December 2019. Collection method: clinical testing. Allele origin: germline.
Comment: This variant was observed in the ICSL laboratory as part of a predisposition screen in an ostensibly healthy population. It had not been previously curated by ICSL or reported in the Human Gene Mutation Database (HGMD: prior to June 1st, 2018), and was therefore a candidate for classification through an automated scoring system. Utilizing variant allele frequency, disease prevalence and penetrance estimates, and inheritance mode, an automated score was calculated to assess if this variant is too frequent to cause the disease. Based on the score and internal cut-off values, a variant classified as benign is not then subjected to further curation. The score for this variant resulted in a classification of benign for this disease.